The following is an entry in ClinVar:

ClinVar aggregate classification (germline): Uncertain significance (1 of 4 stars; one submission).

Submission:

GeneDx
Classification: Uncertain significance. Last evaluated: 2023-02-27. Review status: criteria provided, single submitter. Criteria: GeneDx Variant Classification Process June 2021. Collection method: clinical testing. Allele origin: germline. Affected: yes.
Comment: Nonsense variant predicted to result in protein truncation or nonsense mediated decay in a gene for which loss-of-function is not a known mechanism of disease; Not observed at significant frequency in large population cohorts (gnomAD); Has not been previously published as pathogenic or benign to our knowledge

NM_014915.3(ANKRD26):c.3526C>T (p.Gln1176Ter)

Gene: ANKRD26 (ankyrin repeat domain containing 26; minus strand). Cytogenetic location: 10p12.1.
Variant type: single nucleotide variant.
Coding change: c.3526C>T on transcript NM_014915.3 (MANE Select); coding-DNA position 3526, C replaced by T.
Protein change: p.Gln1176Ter; replaces glutamine 1176 with a stop codon.
Molecular consequence: nonsense.
Genome position (GRCh38, 1-based): chr10:27,034,924, G>A on the plus strand (C>T on the coding strand, the complement: ANKRD26 is on the minus strand). VCF-style: chr10-27034924-G-A. GRCh37 (hg19) VCF-style: chr10-27323853-G-A.
Other names: c.3523C>T, p.Gln1175Ter (NM_001256053.2); short protein forms Q1175*, Q1176*.
Identifiers: ClinVar variation 2577570 (VCV002577570.1), dbSNP rs2538756601, ClinGen allele CA376362724.